The following is an entry in ClinVar:

ClinVar aggregate classification (germline): Uncertain significance (1 of 4 stars; one submission).

Submission:

Labcorp Genetics (formerly Invitae), Labcorp
Classification: Uncertain significance. Last evaluated: 2023-10-16. Review status: criteria provided, single submitter. Criteria: Invitae Variant Classification Sherloc (09022015). Collection method: clinical testing. Allele origin: germline.
Comment: This sequence change replaces tryptophan, which is neutral and slightly polar, with arginine, which is basic and polar, at codon 588 of the DEF6 protein (p.Trp588Arg). This variant is not present in population databases (gnomAD no frequency). This variant has not been reported in the literature in individuals affected with DEF6-related conditions. Algorithms developed to predict the effect of missense changes on protein structure and function output the following: SIFT: "Not Available"; PolyPhen-2: "Benign"; Align-GVGD: "Not Available". The arginine amino acid residue is found in multiple mammalian species, which suggests that this missense change does not adversely affect protein function. In summary, the available evidence is currently insufficient to determine the role of this variant in disease. Therefore, it has been classified as a Variant of Uncertain Significance.

NM_022047.4(DEF6):c.1762T>A (p.Trp588Arg)

Gene: DEF6 (DEF6 guanine nucleotide exchange factor; plus strand). Cytogenetic location: 6p21.31.
Variant type: single nucleotide variant.
Coding change: c.1762T>A on transcript NM_022047.4 (MANE Select); coding-DNA position 1762, T replaced by A.
Protein change: p.Trp588Arg; replaces tryptophan 588 with arginine.
Molecular consequence: missense variant.
Genome position (GRCh38, 1-based): chr6:35,321,276, T>A. VCF-style: chr6-35321276-T-A. GRCh37 (hg19) VCF-style: chr6-35289053-T-A.
Other names: short protein forms W588R.
Identifiers: ClinVar variation 2765670 (VCV002765670.3), dbSNP rs772270412, ClinGen allele CA363768960.